The following is an entry in ClinVar:

ClinVar aggregate classification (germline): Likely pathogenic (1 of 4 stars; one submission).

Conditions:
Glycine encephalopathy. Also called: Nonketotic hyperglycinemia; Non-ketotic hyperglycinemia. Identifiers: Orphanet 407, MedGen C0751748, MONDO:0011612, HP:0008288.

Submission:

Labcorp Genetics (formerly Invitae), Labcorp
Classification: Likely pathogenic for Glycine encephalopathy. Last evaluated: 2023-01-12. Review status: criteria provided, single submitter. Criteria: Invitae Variant Classification Sherloc (09022015). Collection method: clinical testing. Allele origin: germline.
Comment: This sequence change affects an acceptor splice site in intron 6 of the AMT gene. It is expected to disrupt RNA splicing. Variants that disrupt the donor or acceptor splice site typically lead to a loss of protein function (PMID: 16199547), and loss-of-function variants in AMT are known to be pathogenic (PMID: 16450403). This variant is not present in population databases (gnomAD no frequency). This variant has not been reported in the literature in individuals affected with AMT-related conditions. In summary, the currently available evidence indicates that the variant is pathogenic, but additional data are needed to prove that conclusively. Therefore, this variant has been classified as Likely Pathogenic. Algorithms developed to predict the effect of sequence changes on RNA splicing suggest that this variant may disrupt the consensus splice site.

Literature cited by the submitters: PubMed 16199547; PubMed 16450403.

NM_000481.4(AMT):c.697-2A>C

Gene: AMT (aminomethyltransferase; minus strand). Cytogenetic location: 3p21.31.
Variant type: single nucleotide variant.
Coding change: c.697-2A>C on transcript NM_000481.4 (MANE Select); the canonical splice acceptor site of the intron before coding-DNA position 697, A replaced by C.
Molecular consequence: splice acceptor variant.
Genome position (GRCh38, 1-based): chr3:49,419,153, T>G on the plus strand (A>C on the coding strand, the complement: AMT is on the minus strand). VCF-style: chr3-49419153-T-G. GRCh37 (hg19) VCF-style: chr3-49456586-T-G.
Other names: c.529-2A>C (NM_001164711.2); c.565-2A>C (NM_001164710.2); c.697-2A>C (NM_001164712.2).
Identifiers: ClinVar variation 2827955 (VCV002827955.3), dbSNP rs2471150601, ClinGen allele CA352790034.